The following is an entry in ClinVar:

ClinVar aggregate classification (germline): Uncertain significance (1 of 4 stars; one submission).

Conditions:
Malignant hyperthermia, susceptibility to, 5 (MHS5). Also called: CACNA1S-Related Malignant Hyperthermia Susceptibility. Identifiers: Orphanet 423, MedGen C1866077, MONDO:0011163, OMIM 601887.

gnomAD v4.1: 1 of 1,613,940 alleles (0.000062%); highest among the groups gnomAD compares: African/African-American, 0.0013%; no homozygotes.

Submission:

All of Us Research Program, National Institutes of Health
Classification: Uncertain significance for Malignant hyperthermia, susceptibility to, 5. Last evaluated: 2023-04-03. Review status: criteria provided, single submitter. Criteria: ACMG Guidelines, 2015. Collection method: clinical testing. Allele origin: germline. Inheritance: Autosomal dominant inheritance. Observed: 2 variant alleles, 2 heterozygotes.
Comment: This missense variant replaces cysteine with tryptophan at codon 529 of the CACNA1S protein. Computational prediction suggests that this variant may have deleterious impact on protein structure and function (internally defined REVEL score threshold >= 0.7, PMID: 27666373). To our knowledge, functional studies have not been reported for this variant. This variant has not been reported in individuals affected with CACNA1S-related disorders in the literature. This variant has been identified in 1/251052 chromosomes in the general population by the Genome Aggregation Database (gnomAD). The available evidence is insufficient to determine the role of this variant in disease conclusively. Therefore, this variant is classified as a Variant of Uncertain Significance.

This study involves interpretation of variants in research participants for the purpose of population health screening. Participant phenotype was not available at the time of variant classification. Additional details can be found in publication PMID: 35346344, PMCID: PMC8962531

NM_000069.3(CACNA1S):c.1587C>G (p.Cys529Trp)

Gene: CACNA1S (calcium voltage-gated channel subunit alpha1 S; minus strand). Cytogenetic location: 1q32.1.
Variant type: single nucleotide variant.
Coding change: c.1587C>G on transcript NM_000069.3 (MANE Select); coding-DNA position 1587, C replaced by G.
Protein change: p.Cys529Trp; replaces cysteine 529 with tryptophan.
Molecular consequence: missense variant.
Genome position (GRCh38, 1-based): chr1:201,077,911, G>C on the plus strand (C>G on the coding strand, the complement: CACNA1S is on the minus strand). VCF-style: chr1-201077911-G-C. GRCh37 (hg19) VCF-style: chr1-201047039-G-C.
Other names: short protein forms C529W.
Identifiers: ClinVar variation 3070152 (VCV003070152.1), dbSNP rs757519247, ClinGen allele CA078422.